The following is an entry in ClinVar:

NM_004082.5(DCTN1):c.2230A>G (p.Met744Val)

Gene: DCTN1 (dynactin subunit 1; minus strand). Cytogenetic location: 2p13.1.
Variant type: single nucleotide variant.
Coding change: c.2230A>G on transcript NM_004082.5 (MANE Select); coding-DNA position 2230, A replaced by G.
Protein change: p.Met744Val; replaces methionine 744 with valine.
Molecular consequence: missense variant. On other transcripts: non-coding transcript variant (1).
Genome position (GRCh38, 1-based): chr2:74,367,375, T>C on the plus strand (A>G on the coding strand, the complement: DCTN1 is on the minus strand). VCF-style: chr2-74367375-T-C. GRCh37 (hg19) VCF-style: chr2-74594502-T-C.
Other names: c.1828A>G, p.Met610Val (NM_023019.4, NM_001135041.3); c.2170A>G, p.Met724Val (NM_001135040.3); c.2119A>G, p.Met707Val (NM_001190836.2); c.2209A>G, p.Met737Val (NM_001190837.2); c.2179A>G, p.Met727Val (NM_001378991.1); c.2161A>G, p.Met721Val (NM_001378992.1); short protein forms M610V, M724V, M727V, M707V, M721V, M737V, M744V.
Identifiers: ClinVar variation 2952658 (VCV002952658.13), dbSNP rs368579872, ClinGen allele CA50475232.
Genomic context (GRCh38, chr2:74,367,375, plus strand): 5'-CTCCACGGGGGCTCAATCACTGGCCCAGATACTTCACCTTAATGTGGTCAGCCAGCTGCA[T>C]AGTACAGTCCTCAGGCTGTTCGGCAAGGTGGATGCTGTACAGATGCTGAGGAGAGATAAC-3'
Protein context (NP_004073.2, residues 734-754): HLAEQPEDCT[Met744Val]QLADHIKFTQ

ClinVar aggregate classification (germline): Uncertain significance. Review status: criteria provided, multiple submitters, no conflicts (2 of 4 stars). 2 submissions from 2 submitters: Uncertain significance (2). Last evaluated 2025-06-01.

Conditions:
Amyotrophic lateral sclerosis type 1 (ALS1). Also called: AMYOTROPHIC LATERAL SCLEROSIS 1, FAMILIAL. Identifiers: Orphanet 803, MedGen C1862939, MONDO:0007103, OMIM 105400.
Perry syndrome. Also called: PARKINSONISM WITH ALVEOLAR HYPOVENTILATION AND MENTAL DEPRESSION. Identifiers: Orphanet 178509, MedGen C1868594, MONDO:0008201, OMIM 168605.
Neuronopathy, distal hereditary motor, type 7B. Also called: NEUROPATHY, DISTAL HEREDITARY MOTOR, HARDING TYPE VIIB; NEUROPATHY, DISTAL HEREDITARY MOTOR, WITH VOCAL CORD PARALYSIS, HARDING TYPE VIIB; HMN VIIB; LOWER MOTOR NEURON DISEASE, DYNACTIN TYPE; NEURONOPATHY, DISTAL HEREDITARY MOTOR, AUTOSOMAL DOMINANT 14; NEURONOPATHY, DISTAL HEREDITARY MOTOR, HARDING TYPE VIIB. Identifiers: Orphanet 139589, MedGen C1843315, MONDO:0011879, OMIM 607641.

Allele frequency attached by ClinVar (database versions not stated): gnomAD 0.00001; TOPMed 0.00001.
gnomAD v4.1: 4 of 1,613,996 alleles (0.00025%); highest among the groups gnomAD compares: Admixed American, 0.0017%; no homozygotes.

Submissions (2):

CeGaT Center for Human Genetics Tuebingen
Classification: Uncertain significance. Last evaluated: 2025-06-01. Review status: criteria provided, single submitter. Criteria: CeGaT Center For Human Genetics Tuebingen Variant Classification Criteria Version 2. Collection method: clinical testing. Allele origin: germline. Affected: yes. Observed: 1 variant allele.
Comment: DCTN1: PM2, BP4

Labcorp Genetics (formerly Invitae), Labcorp
Classification: Uncertain significance for Amyotrophic lateral sclerosis type 1; Neuronopathy, distal hereditary motor, type 7B; Perry syndrome. Last evaluated: 2023-11-14. Review status: criteria provided, single submitter. Criteria: Invitae Variant Classification Sherloc (09022015). Collection method: clinical testing. Allele origin: germline.
Comment: This sequence change replaces methionine, which is neutral and non-polar, with valine, which is neutral and non-polar, at codon 744 of the DCTN1 protein (p.Met744Val). This variant is present in population databases (rs368579872, gnomAD 0.003%). This variant has not been reported in the literature in individuals affected with DCTN1-related conditions. Advanced modeling of protein sequence and biophysical properties (such as structural, functional, and spatial information, amino acid conservation, physicochemical variation, residue mobility, and thermodynamic stability) performed at Invitae indicates that this missense variant is not expected to disrupt DCTN1 protein function with a negative predictive value of 80%. In summary, the available evidence is currently insufficient to determine the role of this variant in disease. Therefore, it has been classified as a Variant of Uncertain Significance.